The following is an entry in ClinVar:

NM_001165967.2(HES7):c.444G>A (p.Pro148=)

Genes: HES7 (hes family bHLH transcription factor 7; minus strand), LOC130060203 (ATAC-STARR-seq lymphoblastoid silent region 8155; plus strand). Cytogenetic location: 17p13.1.
Variant type: single nucleotide variant.
Coding change: c.444G>A on transcript NM_001165967.2 (MANE Select); coding-DNA position 444, G replaced by A.
Protein change: p.Pro148=; no amino-acid change (proline 148 retained).
Molecular consequence: synonymous variant.
Genome position (GRCh38, 1-based): chr17:8,121,820, C>T on the plus strand (G>A on the coding strand, the complement: HES7 is on the minus strand). VCF-style: chr17-8121820-C-T. GRCh37 (hg19) VCF-style: chr17-8025138-C-T.
Other names: c.429G>A, p.Pro143= (NM_032580.4).
Identifiers: ClinVar variation 713831 (VCV000713831.13), dbSNP rs62063066, ClinGen allele CA8368628.

ClinVar aggregate classification (germline): Likely benign. Review status: criteria provided, single submitter (1 of 4 stars). 2 submissions from 2 submitters: Likely benign (1). 1 of the submissions does not count toward it. Last evaluated 2025-10-21.

Conditions:
HES7-related disorder. Also called: HES7-related condition.

Allele frequency attached by ClinVar (database versions not stated): gnomAD exomes 0.00031 and 0.00042; ExAC 0.00042; ESP Exome Variant Server 0.00010; TOPMed 0.00026; gnomAD 0.00027 and 0.00029.
gnomAD v4.1: 652 of 1,566,808 alleles (0.042%); highest among the groups gnomAD compares: Non-Finnish European, 0.052%; no homozygotes.

Submissions (2):

Labcorp Genetics (formerly Invitae), Labcorp
Classification: Likely benign. Last evaluated: 2025-10-21. Review status: criteria provided, single submitter. Criteria: Invitae Variant Classification Sherloc (09022015). Collection method: clinical testing. Allele origin: germline.

PreventionGenetics, part of Exact Sciences
Classification: Likely benign for HES7-related condition. Last evaluated: 2019-11-06. Review status: no assertion criteria provided. Collection method: clinical testing. Allele origin: germline. Not counted in ClinVar's aggregate classification.
Comment: This variant is classified as likely benign based on ACMG/AMP sequence variant interpretation guidelines (Richards et al. 2015 PMID: 25741868, with internal and published modifications).